The following is an entry in ClinVar:

ClinVar aggregate classification (germline): Uncertain significance. Review status: criteria provided, multiple submitters, no conflicts (2 of 4 stars). 2 submissions from 2 submitters: Uncertain significance (2). Last evaluated 2025-07-14.

Conditions:
Fanconi anemia (FA). Also called: Fanconi's anemia. Identifiers: Orphanet 84, MedGen C0015625, MeSH D005199, MONDO:0019391.

gnomAD v4.1: 4 of 1,612,266 alleles (0.00025%); highest among the groups gnomAD compares: East Asian, 0.0067%; no homozygotes.

Submissions (2):

Labcorp Genetics (formerly Invitae), Labcorp
Classification: Uncertain significance for Fanconi anemia. Last evaluated: 2025-07-14. Review status: criteria provided, single submitter. Criteria: Invitae Variant Classification Sherloc (09022015). Collection method: clinical testing. Allele origin: germline.
Comment: This sequence change replaces alanine, which is neutral and non-polar, with proline, which is neutral and non-polar, at codon 1027 of the SLX4 protein (p.Ala1027Pro). This variant is present in population databases (rs199991212, gnomAD 0.006%). This variant has not been reported in the literature in individuals affected with SLX4-related conditions. ClinVar contains an entry for this variant (Variation ID: 3612893). An algorithm developed to predict the effect of missense changes on protein structure and function (PolyPhen-2) suggests that this variant is likely to be disruptive. In summary, the available evidence is currently insufficient to determine the role of this variant in disease. Therefore, it has been classified as a Variant of Uncertain Significance.

Blueprint Genetics
Classification: Uncertain significance. Last evaluated: 2020-06-26. Review status: criteria provided, single submitter. Criteria: ACMG Guidelines, 2015. Collection method: clinical testing. Allele origin: germline.

NM_032444.4(SLX4):c.3079G>C (p.Ala1027Pro)

Gene: SLX4 (SLX4 structure-specific endonuclease subunit; minus strand). Cytogenetic location: 16p13.3.
Variant type: single nucleotide variant.
Coding change: c.3079G>C on transcript NM_032444.4 (MANE Select); coding-DNA position 3079, G replaced by C.
Protein change: p.Ala1027Pro; replaces alanine 1027 with proline.
Molecular consequence: missense variant.
Genome position (GRCh38, 1-based): chr16:3,590,559, C>G on the plus strand (G>C on the coding strand, the complement: SLX4 is on the minus strand). VCF-style: chr16-3590559-C-G. GRCh37 (hg19) VCF-style: chr16-3640560-C-G.
Other names: short protein forms A1027P.
Identifiers: ClinVar variation 3612893 (VCV003612893.3).
Genomic context (GRCh38, chr16:3,590,559, plus strand): 5'-CGCGGGGACTCCCGCCCTGGGGAGGCCCCAATAGGAAGCGGCACGGGTGCGGTGGAGATG[C>G]CTGCCAGGGAGCCAGGCGATGAGAAACCTCCAGCCCCCTTTCCCTGACAGCGCCACTTTG-3'
Protein context (NP_115820.2, residues 1017-1037): EVSHRLAPWQ[Ala1027Pro]SPPHPCRFLL